The following is an entry in ClinVar:

ClinVar aggregate classification (germline): Uncertain significance (1 of 4 stars; one submission).

Conditions:
Osteogenesis imperfecta type I (OI1). Also called: OI, TYPE I; OSTEOGENESIS IMPERFECTA TARDA; OSTEOGENESIS IMPERFECTA WITH BLUE SCLERAE; Osteogenesis imperfecta type 1; Lobstein's Disease; Lobstein disease. Identifiers: Orphanet 216796, Orphanet 666, MedGen C0023931, MONDO:0008146, OMIM 166200. Disease mechanism: loss of function.
Ehlers-Danlos syndrome, classic type, 1 (EDSCL1). Also called: EHLERS-DANLOS SYNDROME, GRAVIS TYPE; EHLERS-DANLOS SYNDROME, SEVERE CLASSIC TYPE; Ehlers-Danlos syndrome, type 1; EDS I; Ehlers-Danlos Syndrome, Classic Type, COL5A1-Related. Identifiers: MedGen C0268335, MONDO:0019567, OMIM 130000.

Allele frequency attached by ClinVar (database versions not stated): TOPMed below 0.00001; gnomAD exomes below 0.00001; gnomAD 0.00001.
gnomAD v4.1: 3 of 1,613,814 alleles (0.00019%); highest among the groups gnomAD compares: Admixed American, 0.0017%; no homozygotes.

Submission:

Labcorp Genetics (formerly Invitae), Labcorp
Classification: Uncertain significance for Osteogenesis imperfecta type I; Ehlers-Danlos syndrome, classic type, 1. Last evaluated: 2023-07-17. Review status: criteria provided, single submitter. Criteria: Invitae Variant Classification Sherloc (09022015). Collection method: clinical testing. Allele origin: germline.
Comment: This sequence change replaces proline, which is neutral and non-polar, with arginine, which is basic and polar, at codon 108 of the COL1A2 protein (p.Pro108Arg). This variant is not present in population databases (gnomAD no frequency). This variant has not been reported in the literature in individuals affected with COL1A2-related conditions. ClinVar contains an entry for this variant (Variation ID: 1352486). Experimental studies and prediction algorithms are not available or were not evaluated, and the functional significance of this variant is currently unknown. In summary, the available evidence is currently insufficient to determine the role of this variant in disease. Therefore, it has been classified as a Variant of Uncertain Significance.

NM_000089.4(COL1A2):c.323C>G (p.Pro108Arg)

Gene: COL1A2 (collagen type I alpha 2 chain; plus strand). Cytogenetic location: 7q21.3.
Variant type: single nucleotide variant.
Coding change: c.323C>G on transcript NM_000089.4 (MANE Select); coding-DNA position 323, C replaced by G.
Protein change: p.Pro108Arg; replaces proline 108 with arginine.
Molecular consequence: missense variant.
Genome position (GRCh38, 1-based): chr7:94,404,599, C>G. VCF-style: chr7-94404599-C-G. GRCh37 (hg19) VCF-style: chr7-94033911-C-G.
Other names: short protein forms P108R.
Identifiers: ClinVar variation 1352486 (VCV001352486.8), dbSNP rs1791756508, ClinGen allele CA368219505.
Genomic context (GRCh38, chr7:94,404,599, plus strand): 5'-ATCTGCTTTCTTTACAGGGCTTAATGGGACCTAGAGGCCCACCTGGTGCAGCTGGAGCCC[C>G]AGTAAGTACTGAAAGCTTGTAATGCCTCTTATGTAAAAAGACAGAGAATTAAGAAATAAA-3'
Protein context (NP_000080.2, residues 98-118): PRGPPGAAGA[Pro108Arg]GPQGFQGPAG